The following is an entry in ClinVar:

ClinVar aggregate classification (germline): Uncertain significance. Review status: criteria provided, multiple submitters, no conflicts (2 of 4 stars). 2 submissions from 2 submitters: Uncertain significance (2). Last evaluated 2022-10-18.

Conditions:
Colorectal cancer, hereditary nonpolyposis, type 7. Identifiers: Orphanet 144, MedGen C1858380, MONDO:0013725, OMIM 614385.
Colorectal cancer. Also called: Colorectal cancer, somatic; Malignant Colorectal Neoplasm. Identifiers: MedGen C0346629, MONDO:0005575, OMIM 114500.
Endometrial carcinoma. Also called: Endometrial carcinoma, somatic. Identifiers: MedGen C0476089, MONDO:0002447, OMIM 608089, HP:0012114.

gnomAD v4.1: 1 of 1,614,164 alleles (0.000062%); highest among the groups gnomAD compares: Non-Finnish European, 0.000085%; no homozygotes.

Submissions (2):

Department of Pathology and Laboratory Medicine, Sinai Health System
Classification: Uncertain significance for Colorectal cancer; Endometrial carcinoma; Colorectal cancer, hereditary nonpolyposis, type 7. Last evaluated: 2022-10-18. Review status: criteria provided, single submitter. Criteria: ACMG Guidelines, 2015. Collection method: clinical testing. Allele origin: germline. Affected: yes.

Ambry Genetics
Classification: Uncertain significance. Last evaluated: 2021-08-21. Review status: criteria provided, single submitter. Criteria: Ambry Variant Classification Scheme 2023. Collection method: clinical testing. Allele origin: germline.
Comment: The p.R879I variant (also known as c.2636G>T), located in coding exon 1 of the MLH3 gene, results from a G to T substitution at nucleotide position 2636. The arginine at codon 879 is replaced by isoleucine, an amino acid with similar properties. This amino acid position is conserved. In addition, this alteration is predicted to be tolerated by in silico analysis. Since supporting evidence is limited at this time, the clinical significance of this alteration remains unclear.

NM_001040108.2(MLH3):c.2636G>T (p.Arg879Ile)

Gene: MLH3 (mutL homolog 3; minus strand). Cytogenetic location: 14q24.3.
Variant type: single nucleotide variant.
Coding change: c.2636G>T on transcript NM_001040108.2 (MANE Select); coding-DNA position 2636, G replaced by T.
Protein change: p.Arg879Ile; replaces arginine 879 with isoleucine.
Molecular consequence: missense variant.
Genome position (GRCh38, 1-based): chr14:75,047,020, C>A on the plus strand (G>T on the coding strand, the complement: MLH3 is on the minus strand). VCF-style: chr14-75047020-C-A. GRCh37 (hg19) VCF-style: chr14-75513723-C-A.
Other names: c.2636G>T, p.Arg879Ile (NM_014381.3); short protein forms R879I.
Identifiers: ClinVar variation 1794119 (VCV001794119.3), dbSNP rs2503265167, ClinGen allele CA390439320.